The following is an entry in ClinVar:

ClinVar aggregate classification (germline): Uncertain significance (1 of 4 stars; one submission).

Conditions:
Cardiovascular phenotype. Identifiers: MedGen CN230736.

gnomAD v4.1: 1 of 1,613,526 alleles (0.000062%); highest among the groups gnomAD compares: Non-Finnish European, 0.000085%; no homozygotes.

Submission:

Ambry Genetics
Classification: Uncertain significance for Cardiovascular phenotype. Last evaluated: 2017-09-11. Review status: criteria provided, single submitter. Criteria: Ambry Variant Classification Scheme 2023. Collection method: clinical testing. Allele origin: germline.
Comment: The p.E14146Q variant (also known as c.42436G>C), located in coding exon 152 of the TTN gene, results from a G to C substitution at nucleotide position 42436. The glutamic acid at codon 14146 is replaced by glutamine, an amino acid with highly similar properties. This amino acid position is highly conserved in available vertebrate species. In addition, this alteration is predicted to be tolerated by in silico analysis. Since supporting evidence is limited at this time, the clinical significance of this alteration remains unclear.

NM_001267550.2(TTN):c.69631G>C (p.Glu23211Gln)

Genes: TTN-AS1 (TTN antisense RNA 1; plus strand), TTN (titin; minus strand), LOC126806422 (BRD4-independent group 4 enhancer GRCh37_chr2:179440205-179441404; plus strand). Cytogenetic location: 2q31.2.
Variant type: single nucleotide variant.
Coding change: c.69631G>C on transcript NM_001267550.2 (MANE Select); coding-DNA position 69631, G replaced by C.
Protein change: p.Glu23211Gln; replaces glutamic acid 23211 with glutamine.
Molecular consequence: missense variant.
Genome position (GRCh38, 1-based): chr2:178,576,613, C>G on the plus strand (G>C on the coding strand, the complement: TTN is on the minus strand). VCF-style: chr2-178576613-C-G. GRCh37 (hg19) VCF-style: chr2-179441340-C-G.
Other names: c.64708G>C, p.Glu21570Gln (NM_001256850.1); c.42436G>C, p.Glu14146Gln (NM_003319.4); c.61927G>C, p.Glu20643Gln (NM_133378.4); c.42811G>C, p.Glu14271Gln (NM_133432.3); c.43012G>C, p.Glu14338Gln (NM_133437.4); short protein forms E14146Q, E23211Q, E14271Q, E14338Q, E20643Q, E21570Q.
Identifiers: ClinVar variation 519183 (VCV000519183.5), dbSNP rs1215669622, ClinGen allele CA349667245.